The following is an entry in ClinVar:

ClinVar aggregate classification (germline): Uncertain significance (1 of 4 stars; one submission).

Allele frequency attached by ClinVar (database versions not stated): gnomAD exomes 0.00001; TOPMed 0.00001; ExAC 0.00004.
gnomAD v4.1: 7 of 1,612,616 alleles (0.00043%); highest among the groups gnomAD compares: Admixed American, 0.012%; no homozygotes.

Submission:

Labcorp Genetics (formerly Invitae), Labcorp
Classification: Uncertain significance. Last evaluated: 2022-09-13. Review status: criteria provided, single submitter. Criteria: Invitae Variant Classification Sherloc (09022015). Collection method: clinical testing. Allele origin: germline.
Comment: This sequence change replaces glutamine, which is neutral and polar, with glutamic acid, which is acidic and polar, at codon 2260 of the VPS13A protein (p.Gln2260Glu). This variant is present in population databases (rs770095410, gnomAD 0.02%). This variant has not been reported in the literature in individuals affected with VPS13A-related conditions. Advanced modeling of protein sequence and biophysical properties (such as structural, functional, and spatial information, amino acid conservation, physicochemical variation, residue mobility, and thermodynamic stability) performed at Invitae indicates that this missense variant is expected to disrupt VPS13A protein function. In summary, the available evidence is currently insufficient to determine the role of this variant in disease. Therefore, it has been classified as a Variant of Uncertain Significance.

NM_033305.3(VPS13A):c.6778C>G (p.Gln2260Glu)

Gene: VPS13A (vacuolar protein sorting 13 homolog A; plus strand). Cytogenetic location: 9q21.2.
Variant type: single nucleotide variant.
Coding change: c.6778C>G on transcript NM_033305.3 (MANE Select); coding-DNA position 6778, C replaced by G.
Protein change: p.Gln2260Glu; replaces glutamine 2260 with glutamic acid.
Molecular consequence: missense variant.
Genome position (GRCh38, 1-based): chr9:77,340,181, C>G. VCF-style: chr9-77340181-C-G. GRCh37 (hg19) VCF-style: chr9-79955097-C-G.
Other names: c.6661C>G, p.Gln2221Glu (NM_001018037.2); c.6778C>G, p.Gln2260Glu (NM_001018038.3, NM_015186.4); short protein forms Q2221E, Q2260E.
Identifiers: ClinVar variation 2413416 (VCV002413416.3), dbSNP rs770095410, ClinGen allele CA5093120.